The following is an entry in ClinVar:

ClinVar aggregate classification (germline): Likely benign (1 of 4 stars; one submission).

Allele frequency attached by ClinVar (database versions not stated): gnomAD exomes 0.00001.
gnomAD v4.1: 11 of 1,200,702 alleles (0.00092%); highest among the groups gnomAD compares: Middle Eastern, 0.025%; no homozygotes.

Submission:

CeGaT Center for Human Genetics Tuebingen
Classification: Likely benign. Last evaluated: 2022-07-01. Review status: criteria provided, single submitter. Criteria: CeGaT Center For Human Genetics Tuebingen Variant Classification Criteria Version 2. Collection method: clinical testing. Allele origin: germline. Affected: yes. Observed: 1 variant allele.
Comment: BRWD3: PM2:Supporting, BP4, BP7

NM_153252.5(BRWD3):c.3759T>C (p.Thr1253=)

Gene: BRWD3 (bromodomain and WD repeat domain containing 3; minus strand). Cytogenetic location: Xq21.1.
Variant type: single nucleotide variant.
Coding change: c.3759T>C on transcript NM_153252.5 (MANE Select); coding-DNA position 3759, T replaced by C.
Protein change: p.Thr1253=; no amino-acid change (threonine 1253 retained).
Molecular consequence: synonymous variant.
Genome position (GRCh38, 1-based): chrX:80,689,816, A>G on the plus strand (T>C on the coding strand, the complement: BRWD3 is on the minus strand). VCF-style: chrX-80689816-A-G. GRCh37 (hg19) VCF-style: chrX-79945315-A-G.
Identifiers: ClinVar variation 2660984 (VCV002660984.24), dbSNP rs1039671243, ClinGen allele CA331096392.
Genomic context (GRCh38, chrX:80,689,816, plus strand): 5'-TGTGATTCTTACCTCCTCTGCATCAGTACTGTTTCGTTCTTCTGCTTTAATTTTATTATA[A>G]GTATCCAGTATATCAGTACAGCTCTGATCCCTAAGAAACAAGTCATTTCAAAAGCTTCAG-3'
Protein context (NP_694984.5, residues 1243-1263): GDQSCTDILD[Thr1253=]YNKIKAEERN